The following is an entry in ClinVar:

NM_002474.3(MYH11):c.4994G>A (p.Arg1665His)

Genes: MYH11 (myosin heavy chain 11; minus strand), NDE1 (nudE neurodevelopment protein 1; plus strand). Cytogenetic location: 16p13.11.
Variant type: single nucleotide variant.
Coding change: c.4994G>A on transcript NM_002474.3 (MANE Select); coding-DNA position 4994, G replaced by A.
Protein change: p.Arg1665His; replaces arginine 1665 with histidine.
Molecular consequence: missense variant. On other transcripts: intron variant (2).
Genome position (GRCh38, 1-based): chr16:15,719,673, C>T on the plus strand (G>A on the coding strand, the complement: MYH11 is on the minus strand). VCF-style: chr16-15719673-C-T. GRCh37 (hg19) VCF-style: chr16-15813530-C-T.
Other names: c.5015G>A, p.Arg1672His (NM_001040113.2, NM_001040114.2); c.4994G>A, p.Arg1665His (NM_022844.3); c.948-4518C>T (NM_001143979.2, NM_017668.3); short protein forms R1665H, R1672H.
Identifiers: ClinVar variation 924231 (VCV000924231.16), dbSNP rs144813247, ClinGen allele CA7921472.

ClinVar aggregate classification (germline): Uncertain significance. Review status: criteria provided, multiple submitters, no conflicts (2 of 4 stars). 6 submissions from 6 submitters: Uncertain significance (6). Last evaluated 2026-02-01.

Conditions:
Familial thoracic aortic aneurysm and aortic dissection (TAAD). Also called: Thoracic aortic aneurysms and dissections. Identifiers: Orphanet 91387, MedGen C4707243, MONDO:0019625.
Aortic aneurysm, familial thoracic 4 (AAT4). Also called: AORTIC ANEURYSM/AORTIC DISSECTION AND PATENT DUCTUS ARTERIOSUS. Identifiers: MedGen C1851504, MONDO:0007568, OMIM 132900.

Allele frequency attached by ClinVar (database versions not stated): TOPMed 0.00002; ESP Exome Variant Server 0.00008.
gnomAD v4.1: 18 of 1,614,064 alleles (0.0011%); highest among the groups gnomAD compares: South Asian, 0.011%; no homozygotes.

Submissions (6):

CeGaT Center for Human Genetics Tuebingen
Classification: Uncertain significance. Last evaluated: 2026-02-01. Review status: criteria provided, single submitter. Criteria: CeGaT Center For Human Genetics Tuebingen Variant Classification Criteria Version 2. Collection method: clinical testing. Allele origin: germline. Affected: yes. Observed: 1 variant allele.

Labcorp Genetics (formerly Invitae), Labcorp
Classification: Uncertain significance for Aortic aneurysm, familial thoracic 4. Last evaluated: 2025-06-29. Review status: criteria provided, single submitter. Criteria: Invitae Variant Classification Sherloc (09022015). Collection method: clinical testing. Allele origin: germline.
Comment: This sequence change replaces arginine, which is basic and polar, with histidine, which is basic and polar, at codon 1672 of the MYH11 protein (p.Arg1672His). This variant is present in population databases (rs144813247, gnomAD 0.02%). This variant has not been reported in the literature in individuals affected with MYH11-related conditions. ClinVar contains an entry for this variant (Variation ID: 924231). Invitae Evidence Modeling of protein sequence and biophysical properties (such as structural, functional, and spatial information, amino acid conservation, physicochemical variation, residue mobility, and thermodynamic stability) indicates that this missense variant is not expected to disrupt MYH11 protein function with a negative predictive value of 95%. In summary, the available evidence is currently insufficient to determine the role of this variant in disease. Therefore, it has been classified as a Variant of Uncertain Significance.

GeneDx
Classification: Uncertain significance. Last evaluated: 2025-06-17. Review status: criteria provided, single submitter. Criteria: GeneDx Variant Classification Process June 2021. Collection method: clinical testing. Allele origin: germline. Affected: yes.
Comment: Has not been previously published as pathogenic or benign to our knowledge; In silico analysis supports that this missense variant has a deleterious effect on protein structure/function

Color Diagnostics, LLC DBA Color Health
Classification: Uncertain significance for Familial thoracic aortic aneurysm and aortic dissection. Last evaluated: 2024-03-06. Review status: criteria provided, single submitter. Criteria: ACMG Guidelines, 2015. Collection method: clinical testing. Allele origin: germline.
Comment: This missense variant replaces arginine with histidine at codon 1672 of the MYH11 protein. Computational prediction suggests that this variant may not impact protein structure and function (internally defined REVEL score threshold <= 0.5, PMID: 27666373). To our knowledge, functional studies have not been reported for this variant. This variant has not been reported in individuals affected with MYH11-related disorders in the literature. This variant has been identified in 9/251482 chromosomes in the general population by the Genome Aggregation Database (gnomAD). The available evidence is insufficient to determine the role of this variant in disease conclusively. Therefore, this variant is classified as a Variant of Uncertain Significance.

All of Us Research Program, National Institutes of Health
Classification: Uncertain significance for Familial thoracic aortic aneurysm and aortic dissection. Last evaluated: 2023-10-23. Review status: criteria provided, single submitter. Criteria: ACMG Guidelines, 2015. Collection method: clinical testing. Allele origin: germline. Inheritance: Autosomal dominant inheritance. Observed: 1 variant allele, 1 heterozygote.
Comment: This missense variant replaces arginine with histidine at codon 1672 of the MYH11 protein. Computational prediction suggests that this variant may not impact protein structure and function (internally defined REVEL score threshold <= 0.5, PMID: 27666373). Splice site prediction tools suggest that this variant may not impact RNA splicing. To our knowledge, functional studies have not been performed for this variant. This variant has not been reported in individuals affected with cardiovascular disorders in the literature. This variant has been identified in 9/251482 chromosomes in the general population by the Genome Aggregation Database (gnomAD). The available evidence is insufficient to determine the role of this variant in disease conclusively. Therefore, this variant is classified as a Variant of Uncertain Significance.

This study involves interpretation of variants in research participants for the purpose of population health screening. Participant phenotype was not available at the time of variant classification. Additional details can be found in publication PMID: 35346344, PMCID: PMC8962531

Ambry Genetics
Classification: Uncertain significance for Familial thoracic aortic aneurysm and aortic dissection. Last evaluated: 2021-11-15. Review status: criteria provided, single submitter. Criteria: Ambry Variant Classification Scheme 2023. Collection method: clinical testing. Allele origin: germline.
Comment: The p.R1665H variant (also known as c.4994G>A), located in coding exon 34 of the MYH11 gene, results from a G to A substitution at nucleotide position 4994. The arginine at codon 1665 is replaced by histidine, an amino acid with highly similar properties. This amino acid position is conserved. In addition, this alteration is predicted to be tolerated by in silico analysis. Since supporting evidence is limited at this time, the clinical significance of this alteration remains unclear.